The following is an entry in ClinVar:

ClinVar aggregate classification (germline): Likely pathogenic (1 of 4 stars; one submission).

Allele frequency attached by ClinVar (database versions not stated): ExAC 0.00003; TOPMed 0.00001.
gnomAD v4.1: 4 of 1,612,822 alleles (0.00025%); highest among the groups gnomAD compares: Middle Eastern, 0.016%; no homozygotes.

Submission:

Labcorp Genetics (formerly Invitae), Labcorp
Classification: Likely pathogenic. Last evaluated: 2023-11-04. Review status: criteria provided, single submitter. Criteria: Invitae Variant Classification Sherloc (09022015). Collection method: clinical testing. Allele origin: germline.
Comment: This sequence change affects a donor splice site in intron 20 of the LAMC3 gene. It is expected to disrupt RNA splicing. Variants that disrupt the donor or acceptor splice site typically lead to a loss of protein function (PMID: 16199547), and loss-of-function variants in LAMC3 are known to be pathogenic (PMID: 21572413, 26802095). The frequency data for this variant in the population databases is considered unreliable, as metrics indicate poor data quality at this position in the gnomAD database. This variant has not been reported in the literature in individuals affected with LAMC3-related conditions. Algorithms developed to predict the effect of sequence changes on RNA splicing suggest that this variant may disrupt the consensus splice site. In summary, the currently available evidence indicates that the variant is pathogenic, but additional data are needed to prove that conclusively. Therefore, this variant has been classified as Likely Pathogenic.

Literature cited by the submitters: PubMed 16199547; PubMed 21572413; PubMed 26802095.

NM_006059.4(LAMC3):c.3494+1G>T

Gene: LAMC3 (laminin subunit gamma 3; plus strand). Cytogenetic location: 9q34.12.
Variant type: single nucleotide variant.
Coding change: c.3494+1G>T on transcript NM_006059.4 (MANE Select); the canonical splice donor site of the intron after coding-DNA position 3494, G replaced by T.
Molecular consequence: splice donor variant.
Genome position (GRCh38, 1-based): chr9:131,073,322, G>T. VCF-style: chr9-131073322-G-T. GRCh37 (hg19) VCF-style: chr9-133948709-G-T.
Identifiers: ClinVar variation 2693132 (VCV002693132.3), dbSNP rs756587349, ClinGen allele CA5287808.
Genomic context (GRCh38, chr9:131,073,322, plus strand): 5'-TCCCAGTCAGCCGACCAAATGGAGCCACCTGGCCACAGAGGCCCGTGCCCTCGCCAGGAG[G>T]TGAGTCCCAAGACATGGTGAGCTTACACCTGGCCCTTCTCCTGGGGGTTCCAGGGTCAGA-3'